The following is an entry in ClinVar:

NM_000059.4(BRCA2):c.3881del (p.Leu1294fs)

Gene: BRCA2 (BRCA2 DNA repair associated; plus strand). Cytogenetic location: 13q13.1.
Variant type: Deletion.
Coding change: c.3881del on transcript NM_000059.4 (MANE Select); coding-DNA position 3881, one base deleted (T; older notation c.3881delT).
Protein change: p.Leu1294fs; shifts the reading frame from leucine 1294.
Molecular consequence: frameshift variant.
Genome position (GRCh38, 1-based): chr13:32,338,236, T deleted; the last of 2 consecutive T bases (chr13:32,338,235-32,338,236); deleting either gives the same sequence. VCF-style (leftmost placement, unchanged base first): chr13-32338234-AT-A. GRCh37 (hg19) VCF-style: chr13-32912371-AT-A.
Other names: c.3881delT (NM_000059.3, NM_000059.4); short protein forms L1294fs.
Identifiers: ClinVar variation 421118 (VCV000421118.10), dbSNP rs1064794921, ClinGen allele CA16619700.

ClinVar aggregate classification (germline): Pathogenic. Review status: reviewed by expert panel (3 of 4 stars). 4 submissions from 4 submitters: Pathogenic (1). 3 of the submissions do not count toward it. Last evaluated 2017-12-15.

Conditions:
Breast-ovarian cancer, familial, susceptibility to, 2 (BROVCA2). Also called: BRCA2 Hereditary Breast and Ovarian Cancer. Identifiers: Orphanet 145, MedGen C2675520, MONDO:0012933, OMIM 612555. Disease mechanism: loss of function.
Hereditary breast ovarian cancer syndrome. Also called: Hereditary breast and ovarian cancer syndrome; BRCA1- and BRCA2-Associated Hereditary Breast and Ovarian Cancer; Hereditary breast and/or ovarian cancer syndrome; Hereditary breast and ovarian cancer; Breast and ovarian cancer; Hereditary breast and ovarian cancer syndrome (HBOC). Identifiers: Orphanet 145, MedGen C0677776, MeSH D061325, MONDO:0003582. Disease mechanism: loss of function.

Submissions (4):

Evidence-based Network for the Interpretation of Germline Mutant Alleles (ENIGMA)
Classification: Pathogenic for Breast-ovarian cancer, familial, susceptibility to, 2. Last evaluated: 2017-12-15. Review status: reviewed by expert panel. Criteria: ENIGMA BRCA1/2 Classification Criteria (2017-06-29). Collection method: curation. Allele origin: germline. Study: ENIGMA.
Comment: Variant allele predicted to encode a truncated non-functional protein.

Women's Health and Genetics/Laboratory Corporation of America, LabCorp
Classification: Pathogenic for Hereditary breast ovarian cancer syndrome. Last evaluated: 2024-08-05. Review status: criteria provided, single submitter. Criteria: LabCorp Variant Classification Summary - May 2015. Collection method: clinical testing. Allele origin: germline. Not counted in ClinVar's aggregate classification.
Comment: Variant summary: BRCA2 c.3881delT (p.Leu1294TyrfsX7) results in a premature termination codon, predicted to cause a truncation of the encoded protein or absence of the protein due to nonsense mediated decay, which are commonly known mechanisms for disease. The variant was absent in 193658 control chromosomes. To our knowledge, no occurrence of c.3881delT in individuals affected with Hereditary Breast And Ovarian Cancer Syndrome and no experimental evidence demonstrating its impact on protein function have been reported. ClinVar contains an entry for this variant (Variation ID: 421118). Based on the evidence outlined above, the variant was classified as pathogenic.

Labcorp Genetics (formerly Invitae), Labcorp
Classification: Pathogenic for Hereditary breast ovarian cancer syndrome. Last evaluated: 2018-11-06. Review status: criteria provided, single submitter. Criteria: Invitae Variant Classification Sherloc (09022015). Collection method: clinical testing. Allele origin: germline. Not counted in ClinVar's aggregate classification.
Comment: This sequence change creates a premature translational stop signal (p.Leu1294Tyrfs*7) in the BRCA2 gene. It is expected to result in an absent or disrupted protein product. This variant is not present in population databases (ExAC no frequency). This variant has not been reported in the literature in individuals with BRCA2-related disease. ClinVar contains an entry for this variant (Variation ID: 421118). Loss-of-function variants in BRCA2 are known to be pathogenic (PMID: 20104584). For these reasons, this variant has been classified as Pathogenic.

GeneDx
Classification: Pathogenic. Last evaluated: 2016-05-03. Review status: criteria provided, single submitter. Criteria: GeneDx Variant Classification (06012015). Collection method: clinical testing. Allele origin: germline. Affected: yes. Not counted in ClinVar's aggregate classification.
Comment: This deletion of one nucleotide in BRCA2 is denoted c.3881delT at the cDNA level and p.Leu1294TyrfsX7 (L1294YfsX7) at the protein level. The normal sequence, with the base that is deleted in braces, is ATAT[T]ACAA. The deletion causes a frameshift which changes a Leucine to a Tyrosine at codon 1294, and creates a premature stop codon at position 7 of the new reading frame. Using alternate nomenclature, this variant would be defined as BRCA2 4109delT. Although this variant has not, to our knowledge, been reported in the literature, it is predicted to cause loss of normal protein function through either protein truncation or nonsense-mediated mRNA decay. We consider this variant to be pathogenic.

Literature cited by the submitters: PubMed 20104584 (cited by Labcorp Genetics (formerly Invitae), Labcorp).